The following is an entry in ClinVar:

ClinVar aggregate classification (germline): Uncertain significance (1 of 4 stars; one submission).

Submission:

Greenwood Genetic Center Diagnostic Laboratories, Greenwood Genetic Center
Classification: Uncertain significance. Last evaluated: 2023-09-28. Review status: criteria provided, single submitter. Criteria: ACMG Guidelines, 2015. Collection method: clinical testing. Allele origin: germline. Affected: yes.
Comment: PM2, PP2, PP3

NM_001079872.2(CUL4B):c.2607G>C (p.Lys869Asn)

Gene: CUL4B (cullin 4B; minus strand). Cytogenetic location: Xq24.
Variant type: single nucleotide variant.
Coding change: c.2607G>C on transcript NM_001079872.2 (MANE Select); coding-DNA position 2607, G replaced by C.
Protein change: p.Lys869Asn; replaces lysine 869 with asparagine.
Molecular consequence: missense variant.
Genome position (GRCh38, 1-based): chrX:120,526,842, C>G on the plus strand (G>C on the coding strand, the complement: CUL4B is on the minus strand). VCF-style: chrX-120526842-C-G. GRCh37 (hg19) VCF-style: chrX-119660697-C-G.
Other names: c.2622G>C, p.Lys874Asn (NM_001330624.2); c.2073G>C, p.Lys691Asn (NM_001369145.1); c.2661G>C, p.Lys887Asn (NM_003588.4); short protein forms K691N, K869N, K874N, K887N.
Identifiers: ClinVar variation 2626970 (VCV002626970.1), dbSNP rs761365165, ClinGen allele CA414192286.